The following is an entry in ClinVar:

ClinVar aggregate classification (germline): Benign. Review status: criteria provided, multiple submitters, no conflicts (2 of 4 stars). 7 submissions from 7 submitters: Benign (7). Last evaluated 2026-09-01.

Conditions:
Myoglobinuria, acute recurrent, autosomal recessive. Also called: Myoglobinuria, recurrent, autosomal recessive; RHABDOMYOLYSIS, ACUTE RECURRENT; MYOGLOBINURIA, FAMILIAL PAROXYSMAL PARALYTIC. Identifiers: Orphanet 99845, MedGen C1849386, MONDO:0009992, OMIM 268200.

Allele frequency attached by ClinVar (database versions not stated): 1000 Genomes Project 0.00359; 1000 Genomes Project 30x 0.00390; gnomAD 0.00818; TOPMed 0.00819; ESP Exome Variant Server 0.00976.
gnomAD v4.1: 17,179 of 1,613,862 alleles (1.1%); highest among the groups gnomAD compares: Non-Finnish European, 1.2%; 120 homozygotes.

Submissions (7):

CeGaT Center for Human Genetics Tuebingen
Classification: Benign. Last evaluated: 2026-09-01. Review status: criteria provided, single submitter. Criteria: CeGaT Center For Human Genetics Tuebingen Variant Classification Criteria Version 2. Collection method: clinical testing. Allele origin: germline. Affected: yes. Observed: 25 variant alleles.
Comment: LPIN1: BP4, BP7, BS1, BS2

Labcorp Genetics (formerly Invitae), Labcorp
Classification: Benign. Last evaluated: 2026-02-02. Review status: criteria provided, single submitter. Criteria: Invitae Variant Classification Sherloc (09022015). Collection method: clinical testing. Allele origin: germline.

Mayo Clinic Laboratories, Mayo Clinic
Classification: Benign. Last evaluated: 2022-02-09. Review status: criteria provided, single submitter. Criteria: ACMG Guidelines, 2015. Collection method: clinical testing. Allele origin: germline. Observed: 23 variant alleles.
Comment: BS1, BS2

GeneDx
Classification: Benign. Last evaluated: 2019-06-21. Review status: criteria provided, single submitter. Criteria: GeneDx Variant Classification Process June 2021. Collection method: clinical testing. Allele origin: germline. Affected: yes.

Illumina Laboratory Services, Illumina
Classification: Benign for Myoglobinuria, acute recurrent, autosomal recessive. Last evaluated: 2018-01-12. Review status: criteria provided, single submitter. Criteria: ICSL Variant Classification Criteria 13 December 2019. Collection method: clinical testing. Allele origin: germline.
Comment: This variant was observed in the ICSL laboratory as part of a predisposition screen in an ostensibly healthy population. It had not been previously curated by ICSL or reported in the Human Gene Mutation Database (HGMD: prior to June 1st, 2018), and was therefore a candidate for classification through an automated scoring system. Utilizing variant allele frequency, disease prevalence and penetrance estimates, and inheritance mode, an automated score was calculated to assess if this variant is too frequent to cause the disease. Based on the score and internal cut-off values, a variant classified as benign is not then subjected to further curation. The score for this variant resulted in a classification of benign for this disease.

Breakthrough Genomics
Classification: Benign. Review status: criteria provided, single submitter. Criteria: ACMG Guidelines, 2015. Collection method: not provided. Allele origin: germline. Inheritance: Autosomal recessive inheritance. Affected: yes.

PreventionGenetics, part of Exact Sciences
Classification: Benign. Review status: criteria provided, single submitter. Criteria: ACMG Guidelines, 2015. Collection method: clinical testing. Allele origin: germline.

NM_001349206.2(LPIN1):c.696G>C (p.Ser232=)

Gene: LPIN1 (lipin 1; plus strand). Cytogenetic location: 2p25.1.
Variant type: single nucleotide variant.
Coding change: c.696G>C on transcript NM_001349206.2 (MANE Select); coding-DNA position 696, G replaced by C.
Protein change: p.Ser232=; no amino-acid change (serine 232 retained).
Molecular consequence: synonymous variant. On other transcripts: non-coding transcript variant (1).
Genome position (GRCh38, 1-based): chr2:11,773,719, G>C. VCF-style: chr2-11773719-G-C. GRCh37 (hg19) VCF-style: chr2-11913845-G-C.
Other names: p.Ser232=; c.714G>C, p.Ser238= (NM_001261427.3); c.843G>C, p.Ser281= (NM_001261428.3, NM_001349208.2); c.696G>C, p.Ser232= (NM_001349199.2, NM_001349200.2, NM_001349201.2 and 5 more transcripts); c.786G>C, p.Ser262= (NM_001349207.2).
Identifiers: ClinVar variation 262596 (VCV000262596.41), dbSNP rs145180224, ClinGen allele CA1533486.